The following is an entry in ClinVar:

ClinVar aggregate classification (germline): Uncertain significance (1 of 4 stars; one submission).

Allele frequency attached by ClinVar (database versions not stated): gnomAD exomes below 0.00001; gnomAD 0.00001; TOPMed 0.00001.
gnomAD v4.1: 3 of 1,613,036 alleles (0.00019%); highest among the groups gnomAD compares: African/African-American, 0.004%; no homozygotes.

Submission:

Labcorp Genetics (formerly Invitae), Labcorp
Classification: Uncertain significance. Last evaluated: 2019-04-30. Review status: criteria provided, single submitter. Criteria: Invitae Variant Classification Sherloc (09022015). Collection method: clinical testing. Allele origin: germline.
Comment: This sequence change replaces leucine with proline at codon 75 of the ADCY10 protein (p.Leu75Pro). The leucine residue is highly conserved and there is a moderate physicochemical difference between leucine and proline. In summary, the available evidence is currently insufficient to determine the role of this variant in disease. Therefore, it has been classified as a Variant of Uncertain Significance. Algorithms developed to predict the effect of missense changes on protein structure and function are either unavailable or do not agree on the potential impact of this missense change (SIFT: "Deleterious"; PolyPhen-2: "Probably Damaging"; Align-GVGD: "Class C0"). This variant has not been reported in the literature in individuals with ADCY10-related conditions. This variant is not present in population databases (ExAC no frequency).

NM_018417.6(ADCY10):c.224T>C (p.Leu75Pro)

Genes: ADCY10 (adenylate cyclase 10; minus strand), DCAF6 (DDB1 and CUL4 associated factor 6; plus strand). Cytogenetic location: 1q24.2.
Variant type: single nucleotide variant.
Coding change: c.224T>C on transcript NM_018417.6 (MANE Select); coding-DNA position 224, T replaced by C.
Protein change: p.Leu75Pro; replaces leucine 75 with proline.
Molecular consequence: missense variant. On other transcripts: 5 prime UTR variant (1), intron variant (1).
Genome position (GRCh38, 1-based): chr1:167,903,916, A>G on the plus strand (T>C on the coding strand, the complement: ADCY10 is on the minus strand). VCF-style: chr1-167903916-A-G. GRCh37 (hg19) VCF-style: chr1-167873154-A-G.
Other names: c.-90T>C (NM_001297772.2); c.-62-1862T>C (NM_001167749.3); short protein forms L75P.
Identifiers: ClinVar variation 837320 (VCV000837320.6), dbSNP rs1250431989, ClinGen allele CA343078637.